The following is an entry in ClinVar:

NM_001244710.2(GFPT1):c.*2364C>T

Gene: GFPT1 (glutamine--fructose-6-phosphate transaminase 1; minus strand). Cytogenetic location: 2p13.3.
Variant type: single nucleotide variant.
Coding change: c.*2364C>T on transcript NM_001244710.2 (MANE Select); 2364 bases downstream of the stop codon, C replaced by T.
Molecular consequence: 3 prime UTR variant.
Genome position (GRCh38, 1-based): chr2:69,323,825, G>A on the plus strand (C>T on the coding strand, the complement: GFPT1 is on the minus strand). VCF-style: chr2-69323825-G-A. GRCh37 (hg19) VCF-style: chr2-69550957-G-A.
Other names: c.*2364C>T (NM_002056.4).
Identifiers: ClinVar variation 336837 (VCV000336837.5), dbSNP rs182934478, ClinGen allele CA10614298.

ClinVar aggregate classification (germline): Likely benign (1 of 4 stars; one submission).

Conditions:
Congenital myasthenic syndrome 12 (CMS12). Also called: MYASTHENIC SYNDROME, CONGENITAL, WITH TUBULAR AGGREGATES 1; Myasthenia, congenital, 12, with tubular aggregates. Identifiers: Orphanet 353327, Orphanet 590, MedGen C3552335, MONDO:0012518, OMIM 610542.

Allele frequency attached by ClinVar (database versions not stated): 1000 Genomes Project 0.00319; gnomAD 0.00354 and 0.00379; 1000 Genomes Project 30x 0.00359; TOPMed 0.00377.

Submission:

Illumina Laboratory Services, Illumina
Classification: Likely benign for Congenital myasthenic syndrome 12. Last evaluated: 2018-01-12. Review status: criteria provided, single submitter. Criteria: ICSL Variant Classification Criteria 13 December 2019. Collection method: clinical testing. Allele origin: germline.
Comment: This variant was observed in the ICSL laboratory as part of a predisposition screen in an ostensibly healthy population. It had not been previously curated by ICSL or reported in the Human Gene Mutation Database (HGMD: prior to June 1st, 2018), and was therefore a candidate for classification through an automated scoring system. Utilizing variant allele frequency, disease prevalence and penetrance estimates, and inheritance mode, an automated score was calculated to assess if this variant is too frequent to cause the disease. Based on the score and internal cut-off values, a variant classified as likely benign is not then subjected to further curation. The score for this variant resulted in a classification of likely benign for this disease.